The following is an entry in ClinVar:

ClinVar aggregate classification (germline): Uncertain significance (1 of 4 stars; one submission).

Submission:

Labcorp Genetics (formerly Invitae), Labcorp
Classification: Uncertain significance. Last evaluated: 2022-07-01. Review status: criteria provided, single submitter. Criteria: Invitae Variant Classification Sherloc (09022015). Collection method: clinical testing. Allele origin: germline.
Comment: In summary, the available evidence is currently insufficient to determine the role of this variant in disease. Therefore, it has been classified as a Variant of Uncertain Significance. Algorithms developed to predict the effect of missense changes on protein structure and function output the following: SIFT: "Tolerated"; PolyPhen-2: "Benign"; Align-GVGD: "Class C0". The serine amino acid residue is found in multiple mammalian species, which suggests that this missense change does not adversely affect protein function. This variant has not been reported in the literature in individuals affected with PNPLA8-related conditions. This variant is present in population databases (no rsID available, gnomAD 0.0009%). This sequence change replaces threonine, which is neutral and polar, with serine, which is neutral and polar, at codon 381 of the PNPLA8 protein (p.Thr381Ser).

NM_001256007.3(PNPLA8):c.1142C>G (p.Thr381Ser)

Gene: PNPLA8 (patatin like domain 8, phospholipase A2; minus strand). Cytogenetic location: 7q31.1.
Variant type: single nucleotide variant.
Coding change: c.1142C>G on transcript NM_001256007.3 (MANE Select); coding-DNA position 1142, C replaced by G.
Protein change: p.Thr381Ser; replaces threonine 381 with serine.
Molecular consequence: missense variant.
Genome position (GRCh38, 1-based): chr7:108,514,208, G>C on the plus strand (C>G on the coding strand, the complement: PNPLA8 is on the minus strand). VCF-style: chr7-108514208-G-C. GRCh37 (hg19) VCF-style: chr7-108154652-G-C.
Other names: c.1142C>G, p.Thr381Ser (NM_001256008.3, NM_001256009.3, NM_015723.5); c.842C>G, p.Thr281Ser (NM_001256010.3, NM_001256011.3); short protein forms T281S, T381S.
Identifiers: ClinVar variation 2012650 (VCV002012650.4), dbSNP rs1173035466, ClinGen allele CA368897287.